The following is an entry in ClinVar:

ClinVar aggregate classification (germline): Likely pathogenic (1 of 4 stars; one submission).

Conditions:
Methylmalonic aciduria and homocystinuria type cblF. Also called: COBALAMIN F DISEASE; COBALAMIN, DEFECT IN LYSOSOMAL RELEASE OF; METHYLMALONIC ACIDEMIA AND HOMOCYSTINURIA, cblF TYPE; METHYLMALONIC ACIDURIA DUE TO VITAMIN B12-RELEASE DEFECT; VITAMIN B12 LYSOSOMAL RELEASE DEFECT; VITAMIN B12 STORAGE DISEASE. Identifiers: Orphanet 79284, MedGen C1848578, MONDO:0010183, OMIM 277380.

gnomAD v4.1: 2 of 1,612,750 alleles (0.00012%); highest among the groups gnomAD compares: Non-Finnish European, 0.00017%; no homozygotes.

Submission:

Labcorp Genetics (formerly Invitae), Labcorp
Classification: Likely pathogenic for Methylmalonic aciduria and homocystinuria type cblF. Last evaluated: 2023-10-18. Review status: criteria provided, single submitter. Criteria: Invitae Variant Classification Sherloc (09022015). Collection method: clinical testing. Allele origin: germline.
Comment: This sequence change affects a donor splice site in intron 1 of the LMBRD1 gene. It is expected to disrupt RNA splicing. Variants that disrupt the donor or acceptor splice site typically lead to a loss of protein function (PMID: 16199547), and loss-of-function variants in LMBRD1 are known to be pathogenic (PMID: 19136951, 21303734). This variant is not present in population databases (gnomAD no frequency). This variant has not been reported in the literature in individuals affected with LMBRD1-related conditions. Algorithms developed to predict the effect of sequence changes on RNA splicing suggest that this variant may disrupt the consensus splice site. In summary, the currently available evidence indicates that the variant is pathogenic, but additional data are needed to prove that conclusively. Therefore, this variant has been classified as Likely Pathogenic.

Literature cited by the submitters: PubMed 16199547; PubMed 19136951; PubMed 21303734.

NM_018368.4(LMBRD1):c.69+2T>G

Gene: LMBRD1 (LMBR1 domain containing 1; minus strand). Cytogenetic location: 6q13.
Variant type: single nucleotide variant.
Coding change: c.69+2T>G on transcript NM_018368.4 (MANE Select); the canonical splice donor site of the intron after coding-DNA position 69, T replaced by G.
Molecular consequence: splice donor variant.
Genome position (GRCh38, 1-based): chr6:69,796,811, A>C on the plus strand (T>G on the coding strand, the complement: LMBRD1 is on the minus strand). VCF-style: chr6-69796811-A-C. GRCh37 (hg19) VCF-style: chr6-70506703-A-C.
Identifiers: ClinVar variation 2972271 (VCV002972271.3), dbSNP rs1026913794, ClinGen allele CA364803800.